The following is an entry in ClinVar:

NM_004260.4(RECQL4):c.3226G>A (p.Ala1076Thr)

Gene: RECQL4 (RecQ like helicase 4; minus strand). Cytogenetic location: 8q24.3.
Variant type: single nucleotide variant.
Coding change: c.3226G>A on transcript NM_004260.4 (MANE Select); coding-DNA position 3226, G replaced by A.
Protein change: p.Ala1076Thr; replaces alanine 1076 with threonine.
Molecular consequence: missense variant.
Genome position (GRCh38, 1-based): chr8:144,512,154, C>T on the plus strand (G>A on the coding strand, the complement: RECQL4 is on the minus strand). VCF-style: chr8-144512154-C-T. GRCh37 (hg19) VCF-style: chr8-145737537-C-T.
Other names: short protein forms A1076T.
Identifiers: ClinVar variation 999692 (VCV000999692.3), dbSNP rs1192096078, ClinGen allele CA372669688.

ClinVar aggregate classification (germline): Uncertain significance (1 of 4 stars; one submission).

Conditions:
Baller-Gerold syndrome (BGS). Also called: CRANIOSYNOSTOSIS WITH RADIAL DEFECTS. Identifiers: Orphanet 1225, MedGen C0265308, MONDO:0009039, OMIM 218600.

Submission:

Labcorp Genetics (formerly Invitae), Labcorp
Classification: Uncertain significance for Baller-Gerold syndrome. Last evaluated: 2024-02-25. Review status: criteria provided, single submitter. Criteria: Invitae Variant Classification Sherloc (09022015). Collection method: clinical testing. Allele origin: germline.
Comment: This sequence change replaces alanine, which is neutral and non-polar, with threonine, which is neutral and polar, at codon 1076 of the RECQL4 protein (p.Ala1076Thr). This variant is not present in population databases (gnomAD no frequency). This variant has not been reported in the literature in individuals affected with RECQL4-related conditions. ClinVar contains an entry for this variant (Variation ID: 999692). Advanced modeling of protein sequence and biophysical properties (such as structural, functional, and spatial information, amino acid conservation, physicochemical variation, residue mobility, and thermodynamic stability) performed at Invitae indicates that this missense variant is not expected to disrupt RECQL4 protein function with a negative predictive value of 80%. In summary, the available evidence is currently insufficient to determine the role of this variant in disease. Therefore, it has been classified as a Variant of Uncertain Significance.